The following is an entry in ClinVar:

ClinVar aggregate classification (germline): Pathogenic (1 of 4 stars; one submission).

Submission:

Labcorp Genetics (formerly Invitae), Labcorp
Classification: Pathogenic. Last evaluated: 2024-09-15. Review status: criteria provided, single submitter. Criteria: Invitae Variant Classification Sherloc (09022015). Collection method: clinical testing. Allele origin: germline.
Comment: This sequence change creates a premature translational stop signal (p.Trp494*) in the FZD4 gene. While this is not anticipated to result in nonsense mediated decay, it is expected to disrupt the last 44 amino acid(s) of the FZD4 protein. This variant is not present in population databases (gnomAD no frequency). This premature translational stop signal has been observed in individual(s) with familial exudative vitreoretinopathy (PMID: 23077402, 34860240). This variant disrupts a region of the FZD4 protein in which other variant(s) (p.Thr503Valfs*31) have been determined to be pathogenic (PMID: 21097938, 25711638). This suggests that this is a clinically significant region of the protein, and that variants that disrupt it are likely to be disease-causing. For these reasons, this variant has been classified as Pathogenic.

Literature cited by the submitters: PubMed 23077402; PubMed 34860240; PubMed 21097938; PubMed 25711638.

NM_012193.4(FZD4):c.1482G>A (p.Trp494Ter)

Genes: FZD4 (frizzled class receptor 4; minus strand), PRSS23 (serine protease 23; plus strand). Cytogenetic location: 11q14.2.
Variant type: single nucleotide variant.
Coding change: c.1482G>A on transcript NM_012193.4 (MANE Select); coding-DNA position 1482, G replaced by A.
Protein change: p.Trp494Ter; replaces tryptophan 494 with a stop codon.
Molecular consequence: nonsense. On other transcripts: non-coding transcript variant (2).
Genome position (GRCh38, 1-based): chr11:86,951,274, C>T on the plus strand (G>A on the coding strand, the complement: FZD4 is on the minus strand). VCF-style: chr11-86951274-C-T. GRCh37 (hg19) VCF-style: chr11-86662316-C-T.
Other names: short protein forms W494*.
Identifiers: ClinVar variation 3721078 (VCV003721078.2).